The following is an entry in ClinVar:

ClinVar aggregate classification (germline): Uncertain significance (1 of 4 stars; one submission).

Conditions:
Ataxia-telangiectasia syndrome (AT). Also called: AT, COMPLEMENTATION GROUP C; Ataxia telangiectasia (A-T); LOUIS-BAR SYNDROME; Ataxia-telangiectasia, complementation group D; Ataxia-telangiectasia, complementation group E; ATAXIA-TELANGIECTASIA, COMPLEMENTATION GROUP A. Identifiers: Orphanet 100, MedGen C0004135, MONDO:0008840, OMIM 208900.

Allele frequency attached by ClinVar (database versions not stated): TOPMed below 0.00001.

Submission:

Labcorp Genetics (formerly Invitae), Labcorp
Classification: Uncertain significance for Ataxia-telangiectasia syndrome. Last evaluated: 2022-03-10. Review status: criteria provided, single submitter. Criteria: Invitae Variant Classification Sherloc (09022015). Collection method: clinical testing. Allele origin: germline.
Comment: This sequence change replaces leucine, which is neutral and non-polar, with phenylalanine, which is neutral and non-polar, at codon 5 of the ATM protein (p.Leu5Phe). In summary, the available evidence is currently insufficient to determine the role of this variant in disease. Therefore, it has been classified as a Variant of Uncertain Significance. Advanced modeling of protein sequence and biophysical properties (such as structural, functional, and spatial information, amino acid conservation, physicochemical variation, residue mobility, and thermodynamic stability) performed at Invitae indicates that this missense variant is not expected to disrupt ATM protein function. This variant has not been reported in the literature in individuals affected with ATM-related conditions. This variant is not present in population databases (gnomAD no frequency).

NM_000051.4(ATM):c.13C>T (p.Leu5Phe)

Gene: ATM (ATM serine/threonine kinase; plus strand). Cytogenetic location: 11q22.3.
Variant type: single nucleotide variant.
Coding change: c.13C>T on transcript NM_000051.4 (MANE Select); coding-DNA position 13, C replaced by T.
Protein change: p.Leu5Phe; replaces leucine 5 with phenylalanine.
Molecular consequence: missense variant.
Genome position (GRCh38, 1-based): chr11:108,227,637, C>T. VCF-style: chr11-108227637-C-T. GRCh37 (hg19) VCF-style: chr11-108098364-C-T.
Other names: c.13C>T, p.Leu5Phe (NM_001351834.2, NM_001351835.2, NM_001351836.2); short protein forms L5F.
Identifiers: ClinVar variation 2108203 (VCV002108203.4), dbSNP rs2078805774, ClinGen allele CA382518968.